The following is an entry in ClinVar:

NM_000257.4(MYH7):c.3748C>G (p.Arg1250Gly)

Gene: MYH7 (myosin heavy chain 7; minus strand). Cytogenetic location: 14q11.2.
Variant type: single nucleotide variant.
Coding change: c.3748C>G on transcript NM_000257.4 (MANE Select); coding-DNA position 3748, C replaced by G.
Protein change: p.Arg1250Gly; replaces arginine 1250 with glycine.
Molecular consequence: missense variant.
Genome position (GRCh38, 1-based): chr14:23,419,588, G>C on the plus strand (C>G on the coding strand, the complement: MYH7 is on the minus strand). VCF-style: chr14-23419588-G-C. GRCh37 (hg19) VCF-style: chr14-23888797-G-C.
Other names: short protein forms R1250G.
Identifiers: ClinVar variation 803009 (VCV000803009.8), dbSNP rs727503249, ClinGen allele CA389042770.
Genomic context (GRCh38, chr14:23,419,588, plus strand): 5'-CAGAACGCTGGGTCTCCTCCGCCTTGCTCCGGTGCTCATTCATCTGGTCTTCCAAGGTCC[G>C]GCACATCTTCTCCAGGTTAGCCTGAGAAGGGAAGGAGAGTTATATGATGGATGTTGGGGG-3'
Protein context (NP_000248.2, residues 1240-1260): KAKANLEKMC[Arg1250Gly]TLEDQMNEHR

ClinVar aggregate classification (germline): Conflicting classifications of pathogenicity. Review status: criteria provided, conflicting classifications (1 of 4 stars). 3 submissions from 3 submitters: Likely pathogenic (1); Uncertain significance (2). Last evaluated 2025-11-01.

Conditions:
Hypertrophic cardiomyopathy 1 (CMH1). Also called: Familial hypertrophic cardiomyopathy 1; MYH7-Related Familial Hypertrophic Cardiomyopathy. Identifiers: MedGen C3495498, MONDO:0008647, OMIM 192600.
Hypertrophic cardiomyopathy. Also called: HYPERTROPHIC MYOCARDIOPATHY. Identifiers: Orphanet 217569, MedGen C0007194, MeSH D002312, MONDO:0005045, HP:0001639.
Cardiomyopathy (CMYO). Also called: Cardiomyopathies. Identifiers: Orphanet 167848, MedGen C0878544, MONDO:0004994, HP:0001638. Inheritance: Various modes of inheritance.

Allele frequency attached by ClinVar (database versions not stated): TOPMed 0.00001.
gnomAD v4.1: 2 of 1,613,956 alleles (0.00012%); highest among the groups gnomAD compares: Non-Finnish European, 0.00017%; no homozygotes.

Submissions (3):

Labcorp Genetics (formerly Invitae), Labcorp
Classification: Uncertain significance for Hypertrophic cardiomyopathy. Last evaluated: 2025-11-01. Review status: criteria provided, single submitter. Criteria: Invitae Variant Classification Sherloc (09022015). Collection method: clinical testing. Allele origin: germline.
Comment: This sequence change replaces arginine, which is basic and polar, with glycine, which is neutral and non-polar, at codon 1250 of the MYH7 protein (p.Arg1250Gly). This variant is not present in population databases (gnomAD no frequency). This variant has not been reported in the literature in individuals affected with MYH7-related conditions. ClinVar contains an entry for this variant (Variation ID: 803009). Invitae Evidence Modeling of protein sequence and biophysical properties (such as structural, functional, and spatial information, amino acid conservation, physicochemical variation, residue mobility, and thermodynamic stability) indicates that this missense variant is expected to disrupt MYH7 protein function with a positive predictive value of 95%. This variant disrupts the p.Arg1250 amino acid residue in MYH7. Other variant(s) that disrupt this residue have been determined to be pathogenic (PMID: 20031619, 20965760; internal data). This suggests that this residue is clinically significant, and that variants that disrupt this residue are likely to be disease-causing. In summary, the available evidence is currently insufficient to determine the role of this variant in disease. Therefore, it has been classified as a Variant of Uncertain Significance.

Color Diagnostics, LLC DBA Color Health
Classification: Uncertain significance for Cardiomyopathy. Last evaluated: 2019-12-04. Review status: criteria provided, single submitter. Criteria: ACMG Guidelines, 2015. Collection method: clinical testing. Allele origin: germline.
Comment: This missense variant replaces arginine with glycine at codon 1250 of the MYH7 protein. Computational prediction is inconclusive regarding the impact of this variant on protein structure and function (internally defined REVEL score threshold 0.5 < inconclusive < 0.7, PMID: 27666373). Splice site prediction tools suggest that this variant may not impact RNA splicing. To our knowledge, functional studies have not been performed for this variant. This variant has not been reported in individuals affected with cardiovascular disorders in the literature. This variant has not been identified in the general population by the Genome Aggregation Database (gnomAD). The available evidence is insufficient to determine the role of this variant in disease conclusively. Therefore, this variant is classified as a Variant of Uncertain Significance.

Mendelics
Classification: Likely pathogenic for Hypertrophic cardiomyopathy 1. Last evaluated: 2019-05-28. Review status: criteria provided, single submitter. Criteria: Mendelics Assertion Criteria 2017. Collection method: clinical testing. Allele origin: unknown.

Literature cited by the submitters: PubMed 20031619 (cited by Labcorp Genetics (formerly Invitae), Labcorp); PubMed 20965760 (cited by Labcorp Genetics (formerly Invitae), Labcorp).